The following is an entry in ClinVar:

NM_004963.4(GUCY2C):c.2572C>A (p.His858Asn)

Gene: GUCY2C (guanylate cyclase 2C; minus strand). Cytogenetic location: 12p12.3.
Variant type: single nucleotide variant.
Coding change: c.2572C>A on transcript NM_004963.4 (MANE Select); coding-DNA position 2572, C replaced by A.
Protein change: p.His858Asn; replaces histidine 858 with asparagine.
Molecular consequence: missense variant.
Genome position (GRCh38, 1-based): chr12:14,622,034, G>T on the plus strand (C>A on the coding strand, the complement: GUCY2C is on the minus strand). VCF-style: chr12-14622034-G-T. GRCh37 (hg19) VCF-style: chr12-14774968-G-T.
Other names: short protein forms H858N.
Identifiers: ClinVar variation 2880999 (VCV002880999.3), dbSNP rs377440815, ClinGen allele CA383994957.
Genomic context (GRCh38, chr12:14,622,034, plus strand): 5'-ATGGTTTCAGCCTGTTAGGTGATGTGGTTACCTTGTAGACATCATGATGATCAACAATGT[G>T]GTCAAAACTCTTATAGATGTCATTAAGCATGTCCACCACTTCCATGGGGGTGCTGTATTT-3'
Protein context (NP_004954.2, residues 848-868): MLNDIYKSFD[His858Asn]IVDHHDVYKV

ClinVar aggregate classification (germline): Uncertain significance (1 of 4 stars; one submission).

gnomAD v4.1: 4 of 1,606,358 alleles (0.00025%); highest among the groups gnomAD compares: African/African-American, 0.0027%; no homozygotes.

Submission:

Labcorp Genetics (formerly Invitae), Labcorp
Classification: Uncertain significance. Last evaluated: 2023-05-25. Review status: criteria provided, single submitter. Criteria: Invitae Variant Classification Sherloc (09022015). Collection method: clinical testing. Allele origin: germline.
Comment: This variant is present in population databases (no rsID available, gnomAD 0.003%). This variant has not been reported in the literature in individuals affected with GUCY2C-related conditions. Advanced modeling of protein sequence and biophysical properties (such as structural, functional, and spatial information, amino acid conservation, physicochemical variation, residue mobility, and thermodynamic stability) performed at Invitae indicates that this missense variant is not expected to disrupt GUCY2C protein function. In summary, the available evidence is currently insufficient to determine the role of this variant in disease. Therefore, it has been classified as a Variant of Uncertain Significance. This sequence change replaces histidine, which is basic and polar, with asparagine, which is neutral and polar, at codon 858 of the GUCY2C protein (p.His858Asn).